The following is an entry in ClinVar:

NM_001354712.2(THRB):c.*1959C>T

Gene: THRB (thyroid hormone receptor beta; minus strand). Cytogenetic location: 3p24.2.
Variant type: single nucleotide variant.
Coding change: c.*1959C>T on transcript NM_001354712.2 (MANE Select); 1959 bases downstream of the stop codon, C replaced by T.
Molecular consequence: 3 prime UTR variant.
Genome position (GRCh38, 1-based): chr3:24,120,925, G>A on the plus strand (C>T on the coding strand, the complement: THRB is on the minus strand). VCF-style: chr3-24120925-G-A. GRCh37 (hg19) VCF-style: chr3-24162416-G-A.
Other names: c.*1959C>T (NM_000461.5, NM_001128176.3, NM_001128177.2 and 8 more transcripts).
Identifiers: ClinVar variation 344602 (VCV000344602.5), dbSNP rs149588565, ClinGen allele CA10618366.

ClinVar aggregate classification (germline): Benign (1 of 4 stars; one submission).

Conditions:
Thyroid hormone resistance, generalized, autosomal dominant (GRTHD). Also called: HYPERTHYROXINEMIA, FAMILIAL EUTHYROID, SECONDARY TO PITUITARY AND PERIPHERAL RESISTANCE TO THYROID HORMONES. Identifiers: MedGen C2937288, MONDO:0008569, OMIM 188570.

Allele frequency attached by ClinVar (database versions not stated): TOPMed 0.00018; gnomAD 0.00019 and 0.00021; 1000 Genomes Project 0.00040; 1000 Genomes Project 30x 0.00047.
gnomAD v4.1: 32 of 151,962 alleles (0.021%); highest among the groups gnomAD compares: East Asian, 0.15%; no homozygotes.

Submission:

Illumina Laboratory Services, Illumina
Classification: Benign for Thyroid hormone resistance, generalized, autosomal dominant. Last evaluated: 2018-01-13. Review status: criteria provided, single submitter. Criteria: ICSL Variant Classification Criteria 13 December 2019. Collection method: clinical testing. Allele origin: germline.
Comment: This variant was observed in the ICSL laboratory as part of a predisposition screen in an ostensibly healthy population. It had not been previously curated by ICSL or reported in the Human Gene Mutation Database (HGMD: prior to June 1st, 2018), and was therefore a candidate for classification through an automated scoring system. Utilizing variant allele frequency, disease prevalence and penetrance estimates, and inheritance mode, an automated score was calculated to assess if this variant is too frequent to cause the disease. Based on the score and internal cut-off values, a variant classified as benign is not then subjected to further curation. The score for this variant resulted in a classification of benign for this disease.